The following is an entry in ClinVar:

ClinVar aggregate classification (germline): Uncertain significance. Review status: criteria provided, single submitter (1 of 4 stars). 2 submissions from 2 submitters: Uncertain significance (1). 1 of the submissions does not count toward it. Last evaluated 2021-09-01.

Conditions:
Finnish congenital nephrotic syndrome (NPHS1). Also called: NEPHROTIC SYNDROME, TYPE 1. Identifiers: Orphanet 839, MedGen C0403399, MONDO:0009732, OMIM 256300.

Allele frequency attached by ClinVar (database versions not stated): TOPMed below 0.00001; gnomAD 0.00001.
gnomAD v4.1: 6 of 1,613,496 alleles (0.00037%); highest among the groups gnomAD compares: East Asian, 0.0022%; no homozygotes.

Submissions (2):

Labcorp Genetics (formerly Invitae), Labcorp
Classification: Uncertain significance. Last evaluated: 2021-09-01. Review status: criteria provided, single submitter. Criteria: Invitae Variant Classification Sherloc (09022015). Collection method: clinical testing. Allele origin: germline.
Comment: This sequence change replaces arginine with cysteine at codon 84 of the NPHS1 protein (p.Arg84Cys). The arginine residue is weakly conserved and there is a large physicochemical difference between arginine and cysteine. This variant is not present in population databases (ExAC no frequency). This variant has not been reported in the literature in individuals affected with NPHS1-related conditions. Algorithms developed to predict the effect of missense changes on protein structure and function are either unavailable or do not agree on the potential impact of this missense change (SIFT: "Deleterious"; PolyPhen-2: "Possibly Damaging"; Align-GVGD: "Class C15"). In summary, the available evidence is currently insufficient to determine the role of this variant in disease. Therefore, it has been classified as a Variant of Uncertain Significance.

Natera, Inc.
Classification: Uncertain significance for Finnish congenital nephrotic syndrome. Last evaluated: 2021-04-26. Review status: no assertion criteria provided. Collection method: clinical testing. Allele origin: germline. Not counted in ClinVar's aggregate classification.

NM_004646.4(NPHS1):c.250C>T (p.Arg84Cys)

Genes: NPHS1 (NPHS1 adhesion molecule, nephrin; minus strand), KIRREL2 (kirre like nephrin family adhesion molecule 2; plus strand). Cytogenetic location: 19q13.12.
Variant type: single nucleotide variant.
Coding change: c.250C>T on transcript NM_004646.4 (MANE Select); coding-DNA position 250, C replaced by T.
Protein change: p.Arg84Cys; replaces arginine 84 with cysteine.
Molecular consequence: missense variant.
Genome position (GRCh38, 1-based): chr19:35,851,481, G>A on the plus strand (C>T on the coding strand, the complement: NPHS1 is on the minus strand). VCF-style: chr19-35851481-G-A. GRCh37 (hg19) VCF-style: chr19-36342383-G-A.
Other names: short protein forms R84C.
Identifiers: ClinVar variation 1038951 (VCV001038951.3), dbSNP rs1168071834, ClinGen allele CA405411344.